The following is an entry in ClinVar:

NM_001379081.2(FREM1):c.5316G>T (p.Ser1772=)

Gene: FREM1 (FRAS1 related extracellular matrix 1; minus strand). Cytogenetic location: 9p22.3.
Variant type: single nucleotide variant.
Coding change: c.5316G>T on transcript NM_001379081.2 (MANE Select); coding-DNA position 5316, G replaced by T.
Protein change: p.Ser1772=; no amino-acid change (serine 1772 retained).
Molecular consequence: synonymous variant. On other transcripts: non-coding transcript variant (2).
Genome position (GRCh38, 1-based): chr9:14,759,790, C>A on the plus strand (G>T on the coding strand, the complement: FREM1 is on the minus strand). VCF-style: chr9-14759790-C-A. GRCh37 (hg19) VCF-style: chr9-14759788-C-A.
Other names: c.924G>T, p.Ser308= (NM_001177704.3, NM_001370058.2, NM_001370061.2); c.5316G>T, p.Ser1772= (NM_144966.7).
Identifiers: ClinVar variation 726455 (VCV000726455.9), dbSNP rs775863172, ClinGen allele CA4989813.

ClinVar aggregate classification (germline): Likely benign. Review status: criteria provided, multiple submitters, no conflicts (2 of 4 stars). 3 submissions from 3 submitters: Likely benign (2). 1 of the submissions does not count toward it. Last evaluated 2024-03-04.

Conditions:
BNAR syndrome. Also called: Bifid Nose With or Without Anorectal and Renal Anomalies (BNAR) Syndrome. Identifiers: Orphanet 217266, MedGen C2750433, MONDO:0012165, OMIM 608980.
Oculotrichoanal syndrome (MOTA). Also called: MARLES SYNDROME; Manitoba Oculotrichoanal (MOTA) Syndrome. Identifiers: Orphanet 2717, MedGen C1855425, MONDO:0009560, OMIM 248450.
Trigonocephaly 2 (TRIGNO2). Identifiers: Orphanet 3366, MedGen C3280974, MONDO:0013774, OMIM 614485.
FREM1-related disorder. Also called: FREM1-Related Disorders; FREM1-related condition.

Allele frequency attached by ClinVar (database versions not stated): TOPMed 0.00006.
gnomAD v4.1: 155 of 1,607,860 alleles (0.0096%); highest among the groups gnomAD compares: Non-Finnish European, 0.013%; no homozygotes.

Submissions (3):

Labcorp Genetics (formerly Invitae), Labcorp
Classification: Likely benign. Last evaluated: 2024-03-04. Review status: criteria provided, single submitter. Criteria: Invitae Variant Classification Sherloc (09022015). Collection method: clinical testing. Allele origin: germline.

Fulgent Genetics
Classification: Likely benign for Oculotrichoanal syndrome; BNAR syndrome; Trigonocephaly 2. Last evaluated: 2021-08-20. Review status: criteria provided, single submitter. Criteria: ACMG Guidelines, 2015. Collection method: clinical testing. Allele origin: unknown.

PreventionGenetics, part of Exact Sciences
Classification: Likely benign for FREM1-related condition. Last evaluated: 2019-05-01. Review status: no assertion criteria provided. Collection method: clinical testing. Allele origin: germline. Not counted in ClinVar's aggregate classification.
Comment: This variant is classified as likely benign based on ACMG/AMP sequence variant interpretation guidelines (Richards et al. 2015 PMID: 25741868, with internal and published modifications).